The following is an entry in ClinVar:

ClinVar aggregate classification (germline): Conflicting classifications of pathogenicity. Review status: criteria provided, conflicting classifications (1 of 4 stars). 5 submissions from 5 submitters: Uncertain significance (3); Likely benign (2). Last evaluated 2026-01-19.

Conditions:
Cone-rod dystrophy 7 (CORD7). Identifiers: Orphanet 1872, MedGen C1863634, MONDO:0011355, OMIM 603649.
Retinal dystrophy. Also called: Inherited retinal dystrophy. Identifiers: Orphanet 71862, MedGen C0854723, MeSH D058499, MONDO:0019118, HP:0000556.

Allele frequency attached by ClinVar (database versions not stated): gnomAD exomes 0.00021; ExAC 0.00030; ESP Exome Variant Server 0.00033; TOPMed 0.00033; gnomAD 0.00036 and 0.00039.
gnomAD v4.1: 701 of 1,594,296 alleles (0.044%); highest among the groups gnomAD compares: Non-Finnish European, 0.053%; no homozygotes.

Submissions (5):

Labcorp Genetics (formerly Invitae), Labcorp
Classification: Uncertain significance. Last evaluated: 2026-01-19. Review status: criteria provided, single submitter. Criteria: Invitae Variant Classification Sherloc (09022015). Collection method: clinical testing. Allele origin: germline.
Comment: This sequence change replaces arginine, which is basic and polar, with tryptophan, which is neutral and slightly polar, at codon 1387 of the RIMS1 protein (p.Arg1387Trp). This variant is present in population databases (rs201017334, gnomAD 0.06%), and has an allele count higher than expected for a pathogenic variant. This variant has not been reported in the literature in individuals affected with RIMS1-related conditions. ClinVar contains an entry for this variant (Variation ID: 357857). An algorithm developed to predict the effect of missense changes on protein structure and function (PolyPhen-2) suggests that this variant is likely to be disruptive. In summary, the available evidence is currently insufficient to determine the role of this variant in disease. Therefore, it has been classified as a Variant of Uncertain Significance.

Blueprint Genetics
Classification: Likely benign. Last evaluated: 2024-07-17. Review status: criteria provided, single submitter. Criteria: ACMG Guidelines, 2015. Collection method: clinical testing. Allele origin: germline.

GeneDx
Classification: Uncertain significance. Last evaluated: 2021-03-11. Review status: criteria provided, single submitter. Criteria: GeneDx Variant Classification Process June 2021. Collection method: clinical testing. Allele origin: germline. Affected: yes.
Comment: In silico analysis supports that this missense variant has a deleterious effect on protein structure/function; This variant is associated with the following publications: (PMID: 30564305)

Illumina Laboratory Services, Illumina
Classification: Likely benign for Cone-rod dystrophy 7. Last evaluated: 2018-01-12. Review status: criteria provided, single submitter. Criteria: ICSL Variant Classification Criteria 13 December 2019. Collection method: clinical testing. Allele origin: germline.
Comment: This variant was observed in the ICSL laboratory as part of a predisposition screen in an ostensibly healthy population. It had not been previously curated by ICSL or reported in the Human Gene Mutation Database (HGMD: prior to June 1st, 2018), and was therefore a candidate for classification through an automated scoring system. Utilizing variant allele frequency, disease prevalence and penetrance estimates, and inheritance mode, an automated score was calculated to assess if this variant is too frequent to cause the disease. Based on the score and internal cut-off values, a variant classified as likely benign is not then subjected to further curation. The score for this variant resulted in a classification of likely benign for this disease.

Institute of Human Genetics, Univ. Regensburg, Univ. Regensburg
Classification: Uncertain significance for Retinal dystrophy. Last evaluated: 2017-01-01. Review status: criteria provided, single submitter. Criteria: ACMG Guidelines, 2015. Collection method: clinical testing. Allele origin: germline. Affected: yes.

Literature cited by the submitters: PubMed 30564305 (cited by Institute of Human Genetics, Univ. Regensburg, Univ. Regensburg).

NM_014989.7(RIMS1):c.4159C>T (p.Arg1387Trp)

Gene: RIMS1 (regulating synaptic membrane exocytosis 1; plus strand). Cytogenetic location: 6q13.
Variant type: single nucleotide variant.
Coding change: c.4159C>T on transcript NM_014989.7 (MANE Select); coding-DNA position 4159, C replaced by T.
Protein change: p.Arg1387Trp; replaces arginine 1387 with tryptophan.
Molecular consequence: missense variant. On other transcripts: intron variant (24).
Genome position (GRCh38, 1-based): chr6:72,333,628, C>T. VCF-style: chr6-72333628-C-T. GRCh37 (hg19) VCF-style: chr6-73043331-C-T.
Other names: c.2119C>T, p.Arg707Trp (NM_001168407.2); c.2080C>T, p.Arg694Trp (NM_001350414.2); c.2176C>T, p.Arg726Trp (NM_001350415.2); c.2125C>T, p.Arg709Trp (NM_001350416.2); c.2098C>T, p.Arg700Trp (NM_001350418.2); c.2233C>T, p.Arg745Trp (NM_001350420.2); c.1978C>T, p.Arg660Trp (NM_001350421.2); c.1867C>T, p.Arg623Trp (NM_001350423.2); and 53 more; short protein forms R1387W, R604W, R656W, R660W, R693W, R707W, R739W, R745W.
Identifiers: ClinVar variation 357857 (VCV000357857.15), dbSNP rs201017334, ClinGen allele CA3886457.